The following is an entry in ClinVar:

NM_016312.3(WBP11):c.97-5C>A

Gene: WBP11 (WW domain binding protein 11; minus strand). Cytogenetic location: 12p12.3.
Variant type: single nucleotide variant.
Coding change: c.97-5C>A on transcript NM_016312.3 (MANE Select); 5 bases into the intron before coding-DNA position 97, C replaced by A.
Molecular consequence: intron variant.
Genome position (GRCh38, 1-based): chr12:14,799,733, G>T on the plus strand (C>A on the coding strand, the complement: WBP11 is on the minus strand). VCF-style: chr12-14799733-G-T. GRCh37 (hg19) VCF-style: chr12-14952667-G-T.
Identifiers: ClinVar variation 3366841 (VCV003366841.1).

ClinVar aggregate classification (germline): Uncertain significance (1 of 4 stars; one submission).

gnomAD v4.1: 16 of 1,610,806 alleles (0.00099%); highest among the groups gnomAD compares: Admixed American, 0.027%; no homozygotes.

Submission:

Women's Health and Genetics/Laboratory Corporation of America, LabCorp
Classification: Uncertain significance. Last evaluated: 2024-08-12. Review status: criteria provided, single submitter. Criteria: LabCorp Variant Classification Summary - May 2015. Collection method: clinical testing. Allele origin: germline.
Comment: Variant summary: WBP11 c.97-5C>A alters a non-conserved nucleotide located close to a canonical splice site and therefore could affect mRNA splicing, leading to a significantly altered protein sequence. Several computational tools predict a significant impact on normal splicing: Three predict the variant weakens a 3' acceptor site. However, these predictions have yet to be confirmed by functional studies. The variant allele was found at a frequency of 5.7e-05 in 247730 control chromosomes. This frequency is not significantly higher than estimated for a pathogenic variant in WBP11 causing Vertebral, Cardiac, Tracheoesophageal, Renal, And Limb Defects, allowing no conclusion about variant significance. To our knowledge, no occurrence of c.97-5C>A in individuals affected with Vertebral, Cardiac, Tracheoesophageal, Renal, And Limb Defects and no experimental evidence demonstrating its impact on protein function have been reported. No submitters have cited clinical-significance assessments for this variant to ClinVar. Based on the evidence outlined above, the variant was classified as uncertain significance.